The following is an entry in ClinVar:

ClinVar aggregate classification (germline): Uncertain significance (1 of 4 stars; one submission).

Submission:

CeGaT Center for Human Genetics Tuebingen
Classification: Uncertain significance. Last evaluated: 2023-07-01. Review status: criteria provided, single submitter. Criteria: CeGaT Center For Human Genetics Tuebingen Variant Classification Criteria Version 2. Collection method: clinical testing. Allele origin: germline. Affected: yes. Observed: 1 variant allele.
Comment: SLC5A7: PM2

NM_021815.5(SLC5A7):c.1448_1452del (p.Ala483fs)

Gene: SLC5A7 (solute carrier family 5 member 7; plus strand). Cytogenetic location: 2q12.3.
Variant type: Deletion.
Coding change: c.1448_1452del on transcript NM_021815.5 (MANE Select); coding-DNA positions 1448 to 1452, 5 bases deleted (CCATG; older notation c.1448_1452delCCATG).
Protein change: p.Ala483fs; shifts the reading frame from alanine 483.
Molecular consequence: frameshift variant.
Genome position (GRCh38, 1-based): chr2:108,010,566-108,010,570, CCATG deleted; deleting any 5 consecutive bases within chr2:108,010,564-108,010,570 gives the same sequence; the c. name uses the placement nearest the transcript's 3' end. VCF-style (leftmost placement, unchanged base first): chr2-108010563-TTGCCA-T. GRCh37 (hg19) VCF-style: chr2-108627019-TTGCCA-T.
Other names: c.1448_1452del, p.Ala483fs (NM_001305005.3); c.1133_1137del, p.Ala378fs (NM_001305006.3); c.707_711del, p.Ala236fs (NM_001305007.3); short protein forms A236fs, A378fs, A483fs.
Identifiers: ClinVar variation 2651243 (VCV002651243.24), dbSNP rs2467133509, ClinGen allele CA2577062239.